The following is an entry in ClinVar:

NM_004415.4(DSP):c.1826A>G (p.Gln609Arg)

Gene: DSP (desmoplakin; plus strand). Cytogenetic location: 6p24.3.
Variant type: single nucleotide variant.
Coding change: c.1826A>G on transcript NM_004415.4 (MANE Select); coding-DNA position 1826, A replaced by G.
Protein change: p.Gln609Arg; replaces glutamine 609 with arginine.
Molecular consequence: missense variant.
Genome position (GRCh38, 1-based): chr6:7,571,507, A>G. VCF-style: chr6-7571507-A-G. GRCh37 (hg19) VCF-style: chr6-7571740-A-G.
Other names: c.1826A>G, p.Gln609Arg (NM_001008844.3, NM_001319034.2); short protein forms Q609R.
Identifiers: ClinVar variation 2775275 (VCV002775275.2), dbSNP rs1759051294, ClinGen allele CA362679380.

ClinVar aggregate classification (germline): Uncertain significance (1 of 4 stars; one submission).

Conditions:
Cardiomyopathy (CMYO). Also called: Cardiomyopathies. Identifiers: Orphanet 167848, MedGen C0878544, MONDO:0004994, HP:0001638. Inheritance: Various modes of inheritance.

Allele frequency attached by ClinVar (database versions not stated): gnomAD exomes below 0.00001.
gnomAD v4.1: 1 of 1,614,252 alleles (0.000062%); highest among the groups gnomAD compares: South Asian, 0.0011%; no homozygotes.

Submission:

Color Diagnostics, LLC DBA Color Health
Classification: Uncertain significance for Cardiomyopathy. Last evaluated: 2024-03-06. Review status: criteria provided, single submitter. Criteria: ACMG Guidelines, 2015. Collection method: clinical testing. Allele origin: germline.
Comment: This missense variant replaces glutamine with arginine at codon 609 of the DSP protein. Computational prediction suggests that this variant may not impact protein structure and function (internally defined REVEL score threshold <= 0.5, PMID: 27666373). To our knowledge, functional studies have not been reported for this variant. This variant has not been reported in individuals affected with cardiovascular disorders in the literature. This variant has not been identified in the general population by the Genome Aggregation Database (gnomAD). The available evidence is insufficient to determine the role of this variant in disease conclusively. Therefore, this variant is classified as a Variant of Uncertain Significance.